The following is an entry in ClinVar:

NM_018993.4(RIN2):c.-36-2815T>C

Gene: RIN2 (Ras and Rab interactor 2; plus strand). Cytogenetic location: 20p11.23.
Variant type: single nucleotide variant.
Coding change: c.-36-2815T>C on transcript NM_018993.4 (MANE Select); 2815 bases into the intron before 36 bases upstream of the start codon, T replaced by C.
Molecular consequence: intron variant. On other transcripts: missense variant (1).
Genome position (GRCh38, 1-based): chr20:19,886,751, T>C. VCF-style: chr20-19886751-T-C. GRCh37 (hg19) VCF-style: chr20-19867395-T-C.
Other names: c.82T>C, p.Trp28Arg (NM_001242581.2); c.-581-2815T>C (NM_001378238.1); short protein forms W28R.
Identifiers: ClinVar variation 2701590 (VCV002701590.1), dbSNP rs2514841120, ClinGen allele CA408482584.

ClinVar aggregate classification (germline): Uncertain significance (1 of 4 stars; one submission).

Submission:

Labcorp Genetics (formerly Invitae), Labcorp
Classification: Uncertain significance. Last evaluated: 2023-12-09. Review status: criteria provided, single submitter. Criteria: Invitae Variant Classification Sherloc (09022015). Collection method: clinical testing. Allele origin: germline.
Comment: The RIN2 gene has multiple clinically relevant transcripts. This variant occurs in alternate transcript NM_001242581.1, and corresponds to NM_018993.3:c.-2851T>C (Non-coding) in the primary transcript. This sequence change replaces tryptophan, which is neutral and slightly polar, with arginine, which is basic and polar, at codon 28 of the RIN2 protein (p.Trp28Arg). This variant is not present in population databases (gnomAD no frequency). This variant has not been reported in the literature in individuals affected with RIN2-related conditions. Experimental studies and prediction algorithms are not available or were not evaluated, and the functional significance of this variant is currently unknown. In summary, the available evidence is currently insufficient to determine the role of this variant in disease. Therefore, it has been classified as a Variant of Uncertain Significance.